The following is an entry in ClinVar:

NM_001376.5(DYNC1H1):c.6058C>T (p.Pro2020Ser)

Gene: DYNC1H1 (dynein cytoplasmic 1 heavy chain 1; plus strand). Cytogenetic location: 14q32.31.
Variant type: single nucleotide variant.
Coding change: c.6058C>T on transcript NM_001376.5 (MANE Select); coding-DNA position 6058, C replaced by T.
Protein change: p.Pro2020Ser; replaces proline 2020 with serine.
Molecular consequence: missense variant.
Genome position (GRCh38, 1-based): chr14:102,009,923, C>T. VCF-style: chr14-102009923-C-T. GRCh37 (hg19) VCF-style: chr14-102476260-C-T.
Other names: short protein forms P2020S.
Identifiers: ClinVar variation 2506791 (VCV002506791.1), dbSNP rs2503750846, ClinGen allele CA391052827.
Genomic context (GRCh38, chr14:102,009,923, plus strand): 5'-GAGCTGCTGAACAAACAAGTCAAGGTGAGCCCGGACATGGCCATCTTCATCACCATGAAC[C>T]CTGGCTACGCGGGCCGGTCTAACCTTCCTGACAACTTGAAGAAGCTGTTCCGGAGCTTGG-3'
Protein context (NP_001367.2, residues 2010-2030): PDMAIFITMN[Pro2020Ser]GYAGRSNLPD

ClinVar aggregate classification (germline): Pathogenic (1 of 4 stars; one submission).

Submission:

GeneDx
Classification: Pathogenic. Last evaluated: 2023-06-21. Review status: criteria provided, single submitter. Criteria: GeneDx Variant Classification Process June 2021. Collection method: clinical testing. Allele origin: germline. Affected: yes.
Comment: Not observed at significant frequency in large population cohorts (gnomAD); In silico analysis supports that this missense variant has a deleterious effect on protein structure/function; Has not been previously published as pathogenic or benign to our knowledge; This variant is associated with the following publications: (PMID: 25512093, 25609763, 26100331)